The following is an entry in ClinVar:

NM_002691.4(POLD1):c.464-3C>T

Gene: POLD1 (DNA polymerase delta 1, catalytic subunit; plus strand). Cytogenetic location: 19q13.33.
Variant type: single nucleotide variant.
Coding change: c.464-3C>T on transcript NM_002691.4 (MANE Select); 3 bases into the intron before coding-DNA position 464, C replaced by T.
Molecular consequence: intron variant.
Genome position (GRCh38, 1-based): chr19:50,401,996, C>T. VCF-style: chr19-50401996-C-T. GRCh37 (hg19) VCF-style: chr19-50905253-C-T.
Other names: c.464-3C>T (NM_001256849.1, NM_001308632.1).
Identifiers: ClinVar variation 2861542 (VCV002861542.3), dbSNP rs763043420, ClinGen allele CA9595751.
Genomic context (GRCh38, chr19:50,401,996, plus strand): 5'-CTACCCAGCCCCTCCCTGAGCCACTGGAGCCCCCTGCACCTCTGATCATCCCTCCCACAC[C>T]AGGTTTCGGGCCCGAGCACATGGGTGACCTGCAACGGGAGCTGAACTTGGCCATCAGCCG-3'

ClinVar aggregate classification (germline): Uncertain significance (1 of 4 stars; one submission).

Conditions:
POLD1-related polyposis and colorectal cancer syndrome (CRCS10). Also called: Colorectal cancer 10; COLORECTAL CANCER, SUSCEPTIBILITY TO, ON CHROMOSOME 19q; Colorectal cancer, susceptibility to, 10. Identifiers: Orphanet 220460, MedGen C2675481, MONDO:0012953, OMIM 612591.

Allele frequency attached by ClinVar (database versions not stated): ExAC 0.00001.

Submission:

Labcorp Genetics (formerly Invitae), Labcorp
Classification: Uncertain significance for POLD1-related polyposis and colorectal cancer syndrome. Last evaluated: 2025-07-28. Review status: criteria provided, single submitter. Criteria: Invitae Variant Classification Sherloc (09022015). Collection method: clinical testing. Allele origin: germline.
Comment: This sequence change falls in intron 4 of the POLD1 gene. It does not directly change the encoded amino acid sequence of the POLD1 protein. It affects a nucleotide within the consensus splice site. This variant is present in population databases (rs763043420, gnomAD 0.006%). This variant has not been reported in the literature in individuals affected with POLD1-related conditions. ClinVar contains an entry for this variant (Variation ID: 2861542). Variants that disrupt the consensus splice site are a relatively common cause of aberrant splicing (PMID: 17576681, 9536098). Algorithms developed to predict the effect of sequence changes on RNA splicing suggest that this variant is not likely to affect RNA splicing. In summary, the available evidence is currently insufficient to determine the role of this variant in disease. Therefore, it has been classified as a Variant of Uncertain Significance.

Literature cited by the submitters: PubMed 17576681; PubMed 9536098.